The following is an entry in ClinVar:

NM_000806.5(GABRA1):c.-449G>C

Gene: GABRA1 (gamma-aminobutyric acid type A receptor subunit alpha1; plus strand). Cytogenetic location: 5q34.
Variant type: single nucleotide variant.
Coding change: c.-449G>C on transcript NM_000806.5; 449 bases upstream of the start codon, G replaced by C.
Molecular consequence: 5 prime UTR variant.
Genome position (GRCh38, 1-based): chr5:161,847,210, G>C. VCF-style: chr5-161847210-G-C. GRCh37 (hg19) VCF-style: chr5-161274216-G-C.
Identifiers: ClinVar variation 352581 (VCV000352581.35), dbSNP rs190043578, ClinGen allele CA10623833.

ClinVar aggregate classification (germline): Conflicting classifications of pathogenicity. Review status: criteria provided, conflicting classifications (1 of 4 stars). 2 submissions from 2 submitters: Uncertain significance (1); Likely benign (1). Last evaluated 2023-05-01.

Conditions:
Epilepsy, idiopathic generalized, susceptibility to, 13. Also called: EPILEPSY, JUVENILE MYOCLONIC, SUSCEPTIBILITY TO, 5. Identifiers: Orphanet 307, Orphanet 64280, MedGen C4013473, MONDO:0012627, OMIM 611136.

Allele frequency attached by ClinVar (database versions not stated): gnomAD exomes 0.10000; gnomAD 0.00355.
gnomAD v4.1: 318 of 150,550 alleles (0.21%); highest among the groups gnomAD compares: Non-Finnish European, 0.33%; 2 homozygotes.

Submissions (2):

CeGaT Center for Human Genetics Tuebingen
Classification: Likely benign. Last evaluated: 2023-05-01. Review status: criteria provided, single submitter. Criteria: CeGaT Center For Human Genetics Tuebingen Variant Classification Criteria Version 2. Collection method: clinical testing. Allele origin: germline. Affected: yes. Observed: 15 variant alleles.
Comment: GABRA1: BS1

Illumina Laboratory Services, Illumina
Classification: Uncertain significance for Epilepsy, idiopathic generalized, susceptibility to, 13. Last evaluated: 2018-01-13. Review status: criteria provided, single submitter. Criteria: ICSL Variant Classification Criteria 13 December 2019. Collection method: clinical testing. Allele origin: germline.